The following is an entry in ClinVar:

ClinVar aggregate classification (germline): Uncertain significance. Review status: criteria provided, multiple submitters, no conflicts (2 of 4 stars). 4 submissions from 4 submitters: Uncertain significance (4). Last evaluated 2024-03-06.

Conditions:
Familial thoracic aortic aneurysm and aortic dissection (TAAD). Also called: Thoracic aortic aneurysms and dissections. Identifiers: Orphanet 91387, MedGen C4707243, MONDO:0019625.
Ehlers-Danlos syndrome, type 4 (EDSVASC). Also called: Ehlers-Danlos syndrome vascular type; Ehlers Danlos syndrome, ecchymotic type; Ehlers Danlos syndrome, arterial type; Ehlers Danlos syndrome, Sack-Barabas type; Ehlers-Danlos Syndrome Type IV. Identifiers: Orphanet 286, MedGen C0268338, MONDO:0017314, OMIM 130050.

Submissions (4):

Color Diagnostics, LLC DBA Color Health
Classification: Uncertain significance for Familial thoracic aortic aneurysm and aortic dissection. Last evaluated: 2024-03-06. Review status: criteria provided, single submitter. Criteria: ACMG Guidelines, 2015. Collection method: clinical testing. Allele origin: germline.
Comment: This missense variant replaces aspartic acid with asparagine at codon 41 of the COL3A1 protein. Computational prediction suggests that this variant may not impact protein structure and function (internally defined REVEL score threshold <= 0.5, PMID: 27666373). To our knowledge, functional studies have not been reported for this variant. This variant has not been reported in individuals affected with cardiovascular disorders in the literature. This variant has been identified in 1/250970 chromosomes in the general population by the Genome Aggregation Database (gnomAD). The available evidence is insufficient to determine the role of this variant in disease conclusively. Therefore, this variant is classified as a Variant of Uncertain Significance.

All of Us Research Program, National Institutes of Health
Classification: Uncertain significance for Ehlers-Danlos syndrome, type 4. Last evaluated: 2023-12-01. Review status: criteria provided, single submitter. Criteria: ACMG Guidelines, 2015. Collection method: clinical testing. Allele origin: germline. Inheritance: Autosomal dominant inheritance. Observed: 1 variant allele, 1 heterozygote.
Comment: This missense variant replaces aspartic acid with asparagine at codon 41 of the COL3A1 protein. Computational prediction suggests that this variant may not impact protein structure and function (internally defined REVEL score threshold <= 0.5, PMID: 27666373). To our knowledge, functional studies have not been reported for this variant. This variant has not been reported in individuals affected with cardiovascular disorders in the literature. This variant has been identified in 1/250970 chromosomes in the general population by the Genome Aggregation Database (gnomAD). The available evidence is insufficient to determine the role of this variant in disease conclusively. Therefore, this variant is classified as a Variant of Uncertain Significance.

This study involves interpretation of variants in research participants for the purpose of population health screening. Participant phenotype was not available at the time of variant classification. Additional details can be found in publication PMID: 35346344, PMCID: PMC8962531

Labcorp Genetics (formerly Invitae), Labcorp
Classification: Uncertain significance for Ehlers-Danlos syndrome, type 4. Last evaluated: 2023-10-06. Review status: criteria provided, single submitter. Criteria: Invitae Variant Classification Sherloc (09022015). Collection method: clinical testing. Allele origin: germline.
Comment: This sequence change replaces aspartic acid, which is acidic and polar, with asparagine, which is neutral and polar, at codon 41 of the COL3A1 protein (p.Asp41Asn). This variant is present in population databases (no rsID available, gnomAD 0.0009%). This variant has not been reported in the literature in individuals affected with COL3A1-related conditions. ClinVar contains an entry for this variant (Variation ID: 264258). Advanced modeling of protein sequence and biophysical properties (such as structural, functional, and spatial information, amino acid conservation, physicochemical variation, residue mobility, and thermodynamic stability) performed at Invitae indicates that this missense variant is not expected to disrupt COL3A1 protein function. In summary, the available evidence is currently insufficient to determine the role of this variant in disease. Therefore, it has been classified as a Variant of Uncertain Significance.

Ambry Genetics
Classification: Uncertain significance for Familial thoracic aortic aneurysm and aortic dissection. Last evaluated: 2019-06-12. Review status: criteria provided, single submitter. Criteria: Ambry Variant Classification Scheme 2023. Collection method: clinical testing. Allele origin: germline.
Comment: The p.D41N variant (also known as c.121G>A), located in coding exon 2 of the COL3A1 gene, results from a G to A substitution at nucleotide position 121. The aspartic acid at codon 41 is replaced by asparagine, an amino acid with highly similar properties. This amino acid position is not well conserved in available vertebrate species. In addition, this alteration is predicted to be tolerated by in silico analysis. Since supporting evidence is limited at this time, the clinical significance of this alteration remains unclear.

NM_000090.4(COL3A1):c.121G>A (p.Asp41Asn)

Gene: COL3A1 (collagen type III alpha 1 chain; plus strand). Cytogenetic location: 2q32.2.
Variant type: single nucleotide variant.
Coding change: c.121G>A on transcript NM_000090.4 (MANE Select); coding-DNA position 121, G replaced by A.
Protein change: p.Asp41Asn; replaces aspartic acid 41 with asparagine.
Molecular consequence: missense variant.
Genome position (GRCh38, 1-based): chr2:188,984,801, G>A. VCF-style: chr2-188984801-G-A. GRCh37 (hg19) VCF-style: chr2-189849527-G-A.
Other names: short protein forms D41N.
Identifiers: ClinVar variation 264258 (VCV000264258.18), dbSNP rs794728035, ClinGen allele CA10587524.